The following is an entry in ClinVar:

ClinVar aggregate classification (germline): Benign/Likely benign. Review status: criteria provided, multiple submitters, no conflicts (2 of 4 stars). 5 submissions from 5 submitters: Benign (2); Likely benign (2). 1 of the submissions does not count toward it. Last evaluated 2025-12-23.

Conditions:
EPAS1-related disorder. Also called: EPAS1-related condition.
Erythrocytosis, familial, 4 (ECYT4). Identifiers: Orphanet 247511, MedGen C2673187, MONDO:0012729, OMIM 611783.

Allele frequency attached by ClinVar (database versions not stated): gnomAD 0.00007 and 0.00043; gnomAD exomes 0.00025 and 0.00054; TOPMed 0.00034; ExAC 0.00050; 1000 Genomes Project 30x 0.00219; 1000 Genomes Project 0.00240.
gnomAD v4.1: 489 of 1,614,178 alleles (0.03%); highest among the groups gnomAD compares: East Asian, 0.48%; 10 homozygotes.

Submissions (6):

Labcorp Genetics (formerly Invitae), Labcorp
Classification: Benign. Last evaluated: 2025-12-23. Review status: criteria provided, single submitter. Criteria: Invitae Variant Classification Sherloc (09022015). Collection method: clinical testing. Allele origin: germline.

Blueprint Genetics
Classification: Likely benign. Last evaluated: 2024-11-23. Review status: criteria provided, single submitter. Criteria: ACMG Guidelines, 2015. Collection method: clinical testing. Allele origin: germline.

CeGaT Center for Human Genetics Tuebingen
Classification: Likely benign. Last evaluated: 2023-02-01. Review status: criteria provided, single submitter. Criteria: CeGaT Center For Human Genetics Tuebingen Variant Classification Criteria Version 2. Collection method: clinical testing. Allele origin: germline. Affected: yes. Observed: 2 variant alleles.
Comment: EPAS1: BP4, BS2

Illumina Laboratory Services, Illumina
Classification: Benign for Erythrocytosis, familial, 4. Last evaluated: 2018-01-12. Review status: criteria provided, single submitter. Criteria: ICSL Variant Classification Criteria 13 December 2019. Collection method: clinical testing. Allele origin: germline.
Comment: This variant was observed in the ICSL laboratory as part of a predisposition screen in an ostensibly healthy population. It had not been previously curated by ICSL or reported in the Human Gene Mutation Database (HGMD: prior to June 1st, 2018), and was therefore a candidate for classification through an automated scoring system. Utilizing variant allele frequency, disease prevalence and penetrance estimates, and inheritance mode, an automated score was calculated to assess if this variant is too frequent to cause the disease. Based on the score and internal cut-off values, a variant classified as benign is not then subjected to further curation. The score for this variant resulted in a classification of benign for this disease.

PreventionGenetics, part of Exact Sciences
Classification: Likely benign for EPAS1-related condition. Last evaluated: 2019-04-01. Review status: no assertion criteria provided. Collection method: clinical testing. Allele origin: germline. Not counted in ClinVar's aggregate classification.
Comment: This variant is classified as likely benign based on ACMG/AMP sequence variant interpretation guidelines (Richards et al. 2015 PMID: 25741868, with internal and published modifications).

Dr. Peter K. Rogan Lab, Western University
No classification provided (evidence only). Condition: Gastric cancer. Review status: no classification provided. Collection method: in vitro. Allele origin: not applicable. Functional consequence: retained intron. Not counted in ClinVar's aggregate classification.

NM_001430.5(EPAS1):c.574-5C>G

Genes: EPAS1 (endothelial PAS domain protein 1; plus strand), LOC126806210 (BRD4-independent group 4 enhancer GRCh37_chr2:46587586-46588785; plus strand). Cytogenetic location: 2p21.
Variant type: single nucleotide variant.
Coding change: c.574-5C>G on transcript NM_001430.5 (MANE Select); 5 bases into the intron before coding-DNA position 574, C replaced by G.
Molecular consequence: intron variant.
Genome position (GRCh38, 1-based): chr2:46,360,880, C>G. VCF-style: chr2-46360880-C-G. GRCh37 (hg19) VCF-style: chr2-46588019-C-G.
Other names: NC_000002.11:g.46588019C>G.
Identifiers: ClinVar variation 336249 (VCV000336249.33), dbSNP rs150877473, ClinGen allele CA1644705.